The following is an entry in ClinVar:

ClinVar aggregate classification (germline): Uncertain significance (1 of 4 stars; one submission).

Conditions:
Hereditary cancer-predisposing syndrome. Also called: Hereditary Cancer Syndrome; Hereditary neoplastic syndrome; Tumor predisposition; Neoplastic Syndromes, Hereditary. Identifiers: Orphanet 140162, MedGen C0027672, MeSH D009386, MONDO:0015356.

Submission:

Ambry Genetics
Classification: Uncertain significance for Hereditary cancer-predisposing syndrome. Last evaluated: 2020-03-28. Review status: criteria provided, single submitter. Criteria: Ambry Variant Classification Scheme 2023. Collection method: clinical testing. Allele origin: germline.
Comment: The p.R367S variant (also known as c.1101A>T), located in coding exon 8 of the RAD50 gene, results from an A to T substitution at nucleotide position 1101. The arginine at codon 367 is replaced by serine, an amino acid with dissimilar properties. This amino acid position is highly conserved in available vertebrate species. In addition, the in silico prediction for this alteration is inconclusive. Since supporting evidence is limited at this time, the clinical significance of this alteration remains unclear.

NM_005732.4(RAD50):c.1101A>T (p.Arg367Ser)

Gene: RAD50 (RAD50 double strand break repair protein; plus strand). Cytogenetic location: 5q31.1.
Variant type: single nucleotide variant.
Coding change: c.1101A>T on transcript NM_005732.4 (MANE Select); coding-DNA position 1101, A replaced by T.
Protein change: p.Arg367Ser; replaces arginine 367 with serine.
Molecular consequence: missense variant.
Genome position (GRCh38, 1-based): chr5:132,588,736, A>T. VCF-style: chr5-132588736-A-T. GRCh37 (hg19) VCF-style: chr5-131924428-A-T.
Other names: short protein forms R367S.
Identifiers: ClinVar variation 1792451 (VCV001792451.2), dbSNP rs2149841080, ClinGen allele CA360942323.